The following is an entry in ClinVar:

NM_000512.5(GALNS):c.1156C>A (p.Arg386Ser)

Gene: GALNS (galactosamine (N-acetyl)-6-sulfatase; minus strand). Cytogenetic location: 16q24.3.
Variant type: single nucleotide variant.
Coding change: c.1156C>A on transcript NM_000512.5 (MANE Select); coding-DNA position 1156, C replaced by A.
Protein change: p.Arg386Ser; replaces arginine 386 with serine.
Molecular consequence: missense variant.
Genome position (GRCh38, 1-based): chr16:88,824,853, G>T on the plus strand (C>A on the coding strand, the complement: GALNS is on the minus strand). VCF-style: chr16-88824853-G-T. GRCh37 (hg19) VCF-style: chr16-88891261-G-T.
Other names: c.601C>A, p.Arg201Ser (NM_001323543.2); c.1174C>A, p.Arg392Ser (NM_001323544.2); short protein forms R201S, R386S, R392S.
Identifiers: ClinVar variation 1048231 (VCV001048231.3), dbSNP rs118204437, ClinGen allele CA397097707.
Genomic context (GRCh38, chr16:88,824,853, plus strand): 5'-TCCAGGTCCAGAAGTGAGCCTTGTGCTGCCCGAGGGTGGCCGCCATCAGCGTGTCGCCAC[G>T]GTAATAGAAGATAGGCCTGTGGGATGGGAGGGGAGGACCATGTAATGACAGGAAGGACAC-3'
Protein context (NP_000503.1, residues 376-396): RLMDRPIFYY[Arg386Ser]GDTLMAATLG

ClinVar aggregate classification (germline): Uncertain significance (1 of 4 stars; one submission).

Conditions:
Mucopolysaccharidosis, MPS-IV-A (MPS4A). Also called: Mucopolysaccharidosis type IV A; Mucopolysaccharidosis Type IVA; Morquio syndrome A, mild; MORQUIO SYNDROME A; MPS IVA; mucopolysaccharidosis type 4A. Identifiers: Orphanet 309297, Orphanet 582, MedGen C0086651, MONDO:0009659, OMIM 253000.

Submission:

Laboratory of Diagnosis and Therapy of Lysosomal Disorders, University of Padova
Classification: Uncertain significance for Mucopolysaccharidosis, MPS-IV-A. Last evaluated: 2021-02-01. Review status: criteria provided, single submitter. Criteria: ACMG Guidelines, 2015. Collection method: curation. Allele origin: germline. Affected: yes.
Comment: Absent from gnomAD v2.1.1 (PM2_moderate); multiple lines of computational evidence support a deleterious effect on the gene (PP3_supporting)

Literature cited by the submitters: PubMed 25252036; PubMed 34387910.